The following is an entry in ClinVar:

ClinVar aggregate classification (germline): Uncertain significance (1 of 4 stars; one submission).

gnomAD v4.1: 129 of 1,614,026 alleles (0.008%); highest among the groups gnomAD compares: Non-Finnish European, 0.011%; no homozygotes.

Submission:

Labcorp Genetics (formerly Invitae), Labcorp
Classification: Uncertain significance. Last evaluated: 2024-06-26. Review status: criteria provided, single submitter. Criteria: Invitae Variant Classification Sherloc (09022015). Collection method: clinical testing. Allele origin: germline.
Comment: The EPB41 gene has multiple clinically relevant transcripts. This variant occurs in alternate transcript NM_001166005.1, and corresponds to NM_004437.3:c.-433C>T in the primary transcript. This sequence change replaces serine, which is neutral and polar, with phenylalanine, which is neutral and non-polar, at codon 92 of the EPB41 protein (p.Ser92Phe). This variant is present in population databases (rs763330269, gnomAD 0.004%). This variant has not been reported in the literature in individuals affected with EPB41-related conditions. In summary, the available evidence is currently insufficient to determine the role of this variant in disease. Therefore, it has been classified as a Variant of Uncertain Significance.

NM_001376013.1(EPB41):c.275C>T (p.Ser92Phe)

Gene: EPB41 (erythrocyte membrane protein band 4.1; plus strand). Cytogenetic location: 1p35.3.
Variant type: single nucleotide variant.
Coding change: c.275C>T on transcript NM_001376013.1 (MANE Select); coding-DNA position 275, C replaced by T.
Protein change: p.Ser92Phe; replaces serine 92 with phenylalanine.
Molecular consequence: missense variant. On other transcripts: 5 prime UTR variant (10).
Genome position (GRCh38, 1-based): chr1:28,987,712, C>T. VCF-style: chr1-28987712-C-T. GRCh37 (hg19) VCF-style: chr1-29314224-C-T.
Other names: c.275C>T, p.Ser92Phe (NM_001376018.1, NM_001376019.1, NM_001376020.1 and 8 more transcripts); c.-353C>T (NM_001376022.1, NM_001376023.1, NM_001376024.1 and 5 more transcripts); c.-433C>T (NM_004437.4, NM_203342.3); short protein forms S92F.
Identifiers: ClinVar variation 3618163 (VCV003618163.2).